The following is an entry in ClinVar:

NM_006019.4(TCIRG1):c.307C>G (p.Arg103Gly)

Gene: TCIRG1 (T cell immune regulator 1, ATPase H+ transporting V0 subunit a3; plus strand). Cytogenetic location: 11q13.2.
Variant type: single nucleotide variant.
Coding change: c.307C>G on transcript NM_006019.4 (MANE Select); coding-DNA position 307, C replaced by G.
Protein change: p.Arg103Gly; replaces arginine 103 with glycine.
Molecular consequence: missense variant. On other transcripts: 5 prime UTR variant (1).
Genome position (GRCh38, 1-based): chr11:68,042,753, C>G. VCF-style: chr11-68042753-C-G. GRCh37 (hg19) VCF-style: chr11-67810220-C-G.
Other names: c.-943C>G (NM_001351059.2); short protein forms R103G.
Identifiers: ClinVar variation 2178050 (VCV002178050.1), dbSNP rs771198568, ClinGen allele CA381575916.

ClinVar aggregate classification (germline): Uncertain significance (1 of 4 stars; one submission).

gnomAD v4.1: 3 of 1,547,274 alleles (0.00019%); highest among the groups gnomAD compares: Non-Finnish European, 0.00026%; no homozygotes.

Submission:

Labcorp Genetics (formerly Invitae), Labcorp
Classification: Uncertain significance. Last evaluated: 2021-09-17. Review status: criteria provided, single submitter. Criteria: Invitae Variant Classification Sherloc (09022015). Collection method: clinical testing. Allele origin: germline.
Comment: This sequence change replaces arginine with glycine at codon 103 of the TCIRG1 protein (p.Arg103Gly). The arginine residue is moderately conserved and there is a moderate physicochemical difference between arginine and glycine. The frequency data for this variant in the population databases is considered unreliable, as metrics indicate insufficient coverage at this position in the ExAC database. This variant has not been reported in the literature in individuals with TCIRG1-related conditions. Algorithms developed to predict the effect of missense changes on protein structure and function are either unavailable or do not agree on the potential impact of this missense change (SIFT: "Tolerated"; PolyPhen-2: "Probably Damaging"; Align-GVGD: "Class C0"). In summary, the available evidence is currently insufficient to determine the role of this variant in disease. Therefore, it has been classified as a Variant of Uncertain Significance.